The following is an entry in ClinVar:

ClinVar aggregate classification (germline): Pathogenic/Likely pathogenic. Review status: criteria provided, multiple submitters, no conflicts (2 of 4 stars). 4 submissions from 4 submitters: Pathogenic (2); Likely pathogenic (1). 1 of the submissions does not count toward it. Last evaluated 2024-10-23.

Conditions:
Bardet-Biedl syndrome (BBS). Identifiers: Orphanet 110, MedGen C0752166, MONDO:0015229.
Bardet-Biedl syndrome 1 (BBS1). Identifiers: MedGen C2936862, MONDO:0008854, OMIM 209900. Disease mechanism: loss of function.

Submissions (4):

Natera, Inc.
Classification: Pathogenic for Bardet-Biedl syndrome type 1. Last evaluated: 2024-10-23. Review status: criteria provided, single submitter. Criteria: Natera Variant Classification Schema (03/2026). Collection method: clinical testing. Allele origin: germline.
Comment: The c.124+1G>C variant in BBS1 is a canonical splice donor site variant predicted to affect pre-mRNA splicing, which may result in an abnormal transcript and altered protein product. This variant is expected to result in nonsense mediated decay, truncation, or a dysfunctional protein product. This variant is rare in the general population with a frequency below the threshold expected for the associated phenotype(s). Another variant at this same site results in an alteration predicted to cause a similar molecular effect has been observed in individual(s) with the associated phenotype. Given the available evidence, this variant is classified as Pathogenic.

Baylor Genetics
Classification: Likely pathogenic for Bardet-Biedl syndrome 1. Last evaluated: 2024-03-29. Review status: criteria provided, single submitter. Criteria: ACMG Guidelines, 2015. Collection method: clinical testing. Allele origin: unknown.

Labcorp Genetics (formerly Invitae), Labcorp
Classification: Pathogenic for Bardet-Biedl syndrome. Last evaluated: 2023-11-08. Review status: criteria provided, single submitter. Criteria: Invitae Variant Classification Sherloc (09022015). Collection method: clinical testing. Allele origin: germline.
Comment: This sequence change affects a donor splice site in intron 2 of the BBS1 gene. It is expected to disrupt RNA splicing. Variants that disrupt the donor or acceptor splice site typically lead to a loss of protein function (PMID: 16199547), and loss-of-function variants in BBS1 are known to be pathogenic (PMID: 12118255, 21520335, 27032803). This variant is not present in population databases (gnomAD no frequency). Disruption of this splice site has been observed in individual(s) with clinical features of Bardet-Biedl syndrome (PMID: 19797195, 32949114). ClinVar contains an entry for this variant (Variation ID: 370386). Algorithms developed to predict the effect of sequence changes on RNA splicing suggest that this variant may disrupt the consensus splice site. For these reasons, this variant has been classified as Pathogenic.

Counsyl
Classification: Likely pathogenic for Bardet-Biedl syndrome 1. Last evaluated: 2016-02-02. Review status: no assertion criteria provided. Collection method: clinical testing. Allele origin: unknown. Not counted in ClinVar's aggregate classification.

Literature cited by the submitters: PubMed 16199547 (cited by Labcorp Genetics (formerly Invitae), Labcorp); PubMed 12118255 (cited by Labcorp Genetics (formerly Invitae), Labcorp); PubMed 21520335 (cited by Labcorp Genetics (formerly Invitae), Labcorp); PubMed 27032803 (cited by Labcorp Genetics (formerly Invitae), Labcorp); PubMed 19797195 (cited by Labcorp Genetics (formerly Invitae), Labcorp); PubMed 32949114 (cited by Labcorp Genetics (formerly Invitae), Labcorp).

NM_024649.5(BBS1):c.124+1G>C

Gene: BBS1 (Bardet-Biedl syndrome 1; plus strand). Cytogenetic location: 11q13.2.
Variant type: single nucleotide variant.
Coding change: c.124+1G>C on transcript NM_024649.5 (MANE Select); the canonical splice donor site of the intron after coding-DNA position 124, G replaced by C.
Molecular consequence: splice donor variant.
Genome position (GRCh38, 1-based): chr11:66,511,090, G>C. VCF-style: chr11-66511090-G-C. GRCh37 (hg19) VCF-style: chr11-66278561-G-C.
Identifiers: ClinVar variation 370386 (VCV000370386.8), dbSNP rs1057516449, ClinGen allele CA16041518.